The following is an entry in ClinVar:

ClinVar aggregate classification (germline): Pathogenic (1 of 4 stars; one submission).

Conditions:
Duchenne muscular dystrophy (DMD). Also called: MUSCULAR DYSTROPHY, PSEUDOHYPERTROPHIC PROGRESSIVE, DUCHENNE TYPE; Duchenne Muscular Dystrophy (DMD). Identifiers: Orphanet 98896, MedGen C0013264, MONDO:0010679, OMIM 310200.

Submission:

Diagnostics Services (NGS), CSIR - Centre For Cellular And Molecular Biology
Classification: Pathogenic for Duchenne muscular dystrophy. Last evaluated: 2025-09-19. Review status: criteria provided, single submitter. Criteria: ACMG Guidelines, 2015. Collection method: clinical testing. Allele origin: germline. Affected: yes. Observed: 1 variant allele, 1 hemizygote.
Comment: The c.7610T>A variant is not present in publicly available population databases like 1000 Genomes, EVS, gnomAD, Indian Exome Database or our internal database. This variant has been previously observed in individuals affected with DMD-related conditions [PMID: 23536893] and reported to the Human Genome Mutation Database (HGMD ID: CM132408). In-silico pathogenicity prediction programs like MutationTaster2021, CADD, Franklin, Varsome, InterVar, etc. predicted this variant to be likely deleterious. This variant creates a premature translational stop signal at the 2537th amino acid position of the wild-type transcript that may either result in translation of a truncated protein or cause nonsense-mediated decay of the mRNA.

Literature cited by the submitters: PubMed 23536893.

NM_004006.3(DMD):c.7610T>A (p.Leu2537Ter)

Gene: DMD (dystrophin; minus strand). Cytogenetic location: Xp21.1.
Variant type: single nucleotide variant.
Coding change: c.7610T>A on transcript NM_004006.3 (MANE Select); coding-DNA position 7610, T replaced by A.
Protein change: p.Leu2537Ter; replaces leucine 2537 with a stop codon.
Molecular consequence: nonsense.
Genome position (GRCh38, 1-based): chrX:31,729,681, A>T on the plus strand (T>A on the coding strand, the complement: DMD is on the minus strand). VCF-style: chrX-31729681-A-T. GRCh37 (hg19) VCF-style: chrX-31747798-A-T.
Other names: c.7586T>A, p.Leu2529Ter (NM_000109.4); c.7598T>A, p.Leu2533Ter (NM_004009.3); c.7241T>A, p.Leu2414Ter (NM_004010.3); c.3587T>A, p.Leu1196Ter (NM_004011.4); c.3578T>A, p.Leu1193Ter (NM_004012.4); c.230T>A, p.Leu77Ter (NM_004013.3, NM_004020.4, NM_004021.3 and 2 more transcripts); short protein forms L1193*, L1196*, L2414*, L2529*, L2533*, L2537*, L77*.
Identifiers: ClinVar variation 4279609 (VCV004279609.1).